The following is an entry in ClinVar:

NM_001376.5(DYNC1H1):c.13515+2T>C

Gene: DYNC1H1 (dynein cytoplasmic 1 heavy chain 1; plus strand). Cytogenetic location: 14q32.31.
Variant type: single nucleotide variant.
Coding change: c.13515+2T>C on transcript NM_001376.5 (MANE Select); the canonical splice donor site of the intron after coding-DNA position 13515, T replaced by C.
Molecular consequence: splice donor variant.
Genome position (GRCh38, 1-based): chr14:102,049,584, T>C. VCF-style: chr14-102049584-T-C. GRCh37 (hg19) VCF-style: chr14-102515921-T-C.
Identifiers: ClinVar variation 1434082 (VCV001434082.8), dbSNP rs2152601082, ClinGen allele CA391049689.
Genomic context (GRCh38, chr14:102,049,584, plus strand): 5'-TCAAACAGCTGCAGAACATCTCACTGGCAGCTGCATCTGGTGGCGCCAAGGAGCTAAAGG[T>C]GAAGGCGCTCCTGACGAGTCTCGGGTGGTCAGCAGCTGTCCTGGGCTGGGGTGGGAGTGG-3'

ClinVar aggregate classification (germline): Uncertain significance (1 of 4 stars; one submission).

Conditions:
Charcot-Marie-Tooth disease axonal type 2O. Also called: CHARCOT-MARIE-TOOTH NEUROPATHY, AXONAL, TYPE 2O; CHARCOT-MARIE-TOOTH DISEASE, AXONAL, AUTOSOMAL DOMINANT, TYPE 2O; Charcot-Marie-Tooth disease, axonal, type 20; Charcot-Marie-Tooth Neuropathy Type 2O. Identifiers: Orphanet 284232, MedGen C3280220, MONDO:0013644, OMIM 614228.

Submission:

Labcorp Genetics (formerly Invitae), Labcorp
Classification: Uncertain significance for Charcot-Marie-Tooth disease axonal type 2O. Last evaluated: 2022-02-10. Review status: criteria provided, single submitter. Criteria: Invitae Variant Classification Sherloc (09022015). Collection method: clinical testing. Allele origin: germline.
Comment: This sequence change affects a donor splice site in intron 75 of the DYNC1H1 gene. It is expected to disrupt RNA splicing. Variants that disrupt the donor or acceptor splice site typically lead to a loss of protein function (PMID: 16199547), however the current clinical and genetic evidence is not sufficient to establish whether loss-of-function variants in DYNC1H1 cause disease. This variant is not present in population databases (gnomAD no frequency). This variant has not been reported in the literature in individuals affected with DYNC1H1-related conditions. Algorithms developed to predict the effect of sequence changes on RNA splicing suggest that this variant may disrupt the consensus splice site. In summary, the available evidence is currently insufficient to determine the role of this variant in disease. Therefore, it has been classified as a Variant of Uncertain Significance.

Literature cited by the submitters: PubMed 16199547.